The following is an entry in ClinVar:

ClinVar aggregate classification (germline): Uncertain significance. Review status: criteria provided, single submitter (1 of 4 stars). 2 submissions from 2 submitters: Uncertain significance (1). 1 of the submissions does not count toward it. Last evaluated 2022-06-07.

Conditions:
Brain abnormalities, neurodegeneration, and dysosteosclerosis. Identifiers: MedGen C5193117, MONDO:0032772, OMIM 618476.

gnomAD v4.1: 2 of 1,611,462 alleles (0.00012%); highest among the groups gnomAD compares: Non-Finnish European, 0.00017%; no homozygotes.

Submissions (2):

Labcorp Genetics (formerly Invitae), Labcorp
Classification: Uncertain significance. Last evaluated: 2022-06-07. Review status: criteria provided, single submitter. Criteria: Invitae Variant Classification Sherloc (09022015). Collection method: clinical testing. Allele origin: germline.
Comment: Advanced modeling of protein sequence and biophysical properties (such as structural, functional, and spatial information, amino acid conservation, physicochemical variation, residue mobility, and thermodynamic stability) performed at Invitae indicates that this missense variant is expected to disrupt CSF1R protein function. In summary, the available evidence is currently insufficient to determine the role of this variant in disease. Therefore, it has been classified as a Variant of Uncertain Significance. ClinVar contains an entry for this variant (Variation ID: 635125). This missense change has been observed in individual(s) with clinical features of CSF1R-related conditions (PMID: 30982608). This variant is not present in population databases (gnomAD no frequency). This sequence change replaces histidine, which is basic and polar, with glutamine, which is neutral and polar, at codon 643 of the CSF1R protein (p.His643Gln).

OMIM
Classification: Pathogenic for BRAIN ABNORMALITIES AND NEURODEGENERATION WITHOUT DYSOSTEOSCLEROSIS. Last evaluated: 2019-06-21. Review status: no assertion criteria provided. Collection method: literature only. Allele origin: germline. Not counted in ClinVar's aggregate classification.

Literature cited by the submitters: PubMed 30982608 (cited by Labcorp Genetics (formerly Invitae), Labcorp and OMIM).

NM_001288705.3(CSF1R):c.1929C>A (p.His643Gln)

Gene: CSF1R (colony stimulating factor 1 receptor; minus strand). Cytogenetic location: 5q32.
Variant type: single nucleotide variant.
Coding change: c.1929C>A on transcript NM_001288705.3 (MANE Select); coding-DNA position 1929, C replaced by A.
Protein change: p.His643Gln; replaces histidine 643 with glutamine.
Molecular consequence: missense variant. On other transcripts: non-coding transcript variant (2).
Genome position (GRCh38, 1-based): chr5:150,060,902, G>T on the plus strand (C>A on the coding strand, the complement: CSF1R is on the minus strand). VCF-style: chr5-150060902-G-T. GRCh37 (hg19) VCF-style: chr5-149440465-G-T.
Other names: c.1929C>A, p.His643Gln (NM_001349736.2, NM_001375320.1, NM_005211.4); c.1485C>A, p.His495Gln (NM_001375321.1); short protein forms H643Q, H495Q.
Identifiers: ClinVar variation 635125 (VCV000635125.7), dbSNP rs184499252, ClinGen allele CA361713811.